The following is an entry in ClinVar:

NM_001372044.2(SHANK3):c.4036G>C (p.Gly1346Arg)

Gene: SHANK3 (SH3 and multiple ankyrin repeat domains 3; plus strand). Cytogenetic location: 22q13.33.
Variant type: single nucleotide variant.
Coding change: c.4036G>C on transcript NM_001372044.2 (MANE Select); coding-DNA position 4036, G replaced by C.
Protein change: p.Gly1346Arg; replaces glycine 1346 with arginine.
Molecular consequence: missense variant.
Genome position (GRCh38, 1-based): chr22:50,721,644, G>C. VCF-style: chr22-50721644-G-C. GRCh37 (hg19) VCF-style: chr22-51160072-G-C.
Other names: c.3811G>C (NM_033517.1); short protein forms G1346R.
Identifiers: ClinVar variation 1305372 (VCV001305372.2), dbSNP rs1433943238, ClinGen allele CA515263083.

ClinVar aggregate classification (germline): Uncertain significance (1 of 4 stars; one submission).

Allele frequency attached by ClinVar (database versions not stated): gnomAD exomes below 0.00001.

Submission:

GeneDx
Classification: Uncertain significance. Last evaluated: 2019-04-25. Review status: criteria provided, single submitter. Criteria: GeneDx Variant Classification Process June 2021. Collection method: clinical testing. Allele origin: germline. Affected: yes.
Comment: In silico analysis, which includes protein predictors and evolutionary conservation, supports a deleterious effect; Has not been previously published as pathogenic or benign to our knowledge